The following is an entry in ClinVar:

Conditions:
Breast-ovarian cancer, familial, susceptibility to, 1 (BROVCA1). Also called: BRCA1 Hereditary Breast and Ovarian Cancer; OVARIAN CANCER, SUSCEPTIBILITY TO. Identifiers: Orphanet 145, MedGen C2676676, MONDO:0011450, OMIM 604370. Disease mechanism: loss of function.

Submission:

Brotman Baty Institute, University of Washington
No classification provided (evidence only). Condition: Breast-ovarian cancer, familial 1. Review status: no classification provided. Collection method: in vitro. Allele origin: not applicable. Functional consequence: functionally_normal.
ClinVar note: "not provided" was previously submitted as the classification for the variant. However, the classification appeared to be based only on an observation of functional data so it was converted to no classification on 2025-07-30.

NM_007294.4(BRCA1):c.5273G>C (p.Arg1758Thr)

Gene: BRCA1 (BRCA1 DNA repair associated; minus strand). Cytogenetic location: 17q21.31.
Variant type: single nucleotide variant.
Coding change: c.5273G>C on transcript NM_007294.4 (MANE Select); coding-DNA position 5273, G replaced by C.
Protein change: p.Arg1758Thr; replaces arginine 1758 with threonine.
Molecular consequence: missense variant. On other transcripts: non-coding transcript variant (1).
Genome position (GRCh38, 1-based): chr17:43,057,056, C>G on the plus strand (G>C on the coding strand, the complement: BRCA1 is on the minus strand). VCF-style: chr17-43057056-C-G. GRCh37 (hg19) VCF-style: chr17-41209073-C-G.
Other names: c.5270G>C, p.Arg1757Thr (NM_001407617.1, NM_001407618.1, NM_001407610.1 and 17 more transcripts); c.5267G>C, p.Arg1756Thr (NM_001407629.1, NM_001407630.1, NM_001407631.1 and 14 more transcripts); c.5213G>C, p.Arg1738Thr (NM_001407649.1); c.5195G>C, p.Arg1732Thr (NM_001407652.1, NM_001407653.1, NM_001407654.1 and 1 more transcripts); c.5192G>C, p.Arg1731Thr (NM_001407656.1, NM_001407657.1, NM_001407658.1); c.5189G>C, p.Arg1730Thr (NM_001407659.1, NM_001407660.1, NM_001407661.1 and 2 more transcripts); c.5147G>C, p.Arg1716Thr (NM_001407670.1, NM_001407671.1, NM_001407672.1 and 10 more transcripts); c.5144G>C, p.Arg1715Thr (NM_001407689.1, NM_001407681.1, NM_001407682.1 and 6 more transcripts); and 72 more; short protein forms R1711T, R1758T, R1779T, R654T, R1630T, R1668T, R1689T, R1717T.
Identifiers: ClinVar variation 867914 (VCV000867914.3), dbSNP rs2051497373, ClinGen allele CA10591007.